The following is an entry in ClinVar:

NM_003079.5(SMARCE1):c.370A>T (p.Ile124Leu)

Gene: SMARCE1 (SWI/SNF related BAF chromatin remodeling complex subunit E1; minus strand). Cytogenetic location: 17q21.2.
Variant type: single nucleotide variant.
Coding change: c.370A>T on transcript NM_003079.5 (MANE Select); coding-DNA position 370, A replaced by T.
Protein change: p.Ile124Leu; replaces isoleucine 124 with leucine.
Molecular consequence: missense variant.
Genome position (GRCh38, 1-based): chr17:40,636,102, T>A on the plus strand (A>T on the coding strand, the complement: SMARCE1 is on the minus strand). VCF-style: chr17-40636102-T-A. GRCh37 (hg19) VCF-style: chr17-38792354-T-A.
Other names: short protein forms I124L.
Identifiers: ClinVar variation 1734177 (VCV001734177.3), dbSNP rs2508603830, ClinGen allele CA399366813.
Genomic context (GRCh38, chr17:40,636,102, plus strand): 5'-TTATGTAAGCAAGGTACGCGGGGGAATTATGATAGGCCTTCATAGATTCATTGTACTCTA[T>A]CTGAAATTCAAATGTTTTTTGGTTTTATAATTAACATTTTGCAGGTTATAATGCAGACCT-3'
Protein context (NP_003070.3, residues 114-134): EYLNEYEAEK[Ile124Leu]EYNESMKAYH

ClinVar aggregate classification (germline): Uncertain significance (1 of 4 stars; one submission).

Conditions:
Hereditary cancer-predisposing syndrome. Also called: Neoplastic Syndromes, Hereditary; Tumor predisposition; Hereditary Cancer Syndrome; Hereditary neoplastic syndrome. Identifiers: Orphanet 140162, MedGen C0027672, MeSH D009386, MONDO:0015356.

Submission:

Ambry Genetics
Classification: Uncertain significance for Hereditary cancer-predisposing syndrome. Last evaluated: 2025-10-30. Review status: criteria provided, single submitter. Criteria: Ambry Variant Classification Scheme 2023. Collection method: clinical testing. Allele origin: germline.
Comment: The p.I124L variant (also known as c.370A>T) is located in coding exon 6 of the SMARCE1 gene. The isoleucine at codon 124 is replaced by leucine, an amino acid with highly similar properties. This change occurs in the first base pair of coding exon 6. This amino acid position is highly conserved in available vertebrate species. In addition, the in silico prediction for this alteration is inconclusive. Based on the available evidence, the clinical significance of this alteration remains unclear.